The following is an entry in ClinVar:

ClinVar aggregate classification (germline): Pathogenic (1 of 4 stars; one submission).

Conditions:
Autosomal recessive limb-girdle muscular dystrophy type 2A (LGMDR1). Also called: Muscular dystrophy, limb-girdle, type 2A, Amish; Limb-girdle muscular dystrophy, type 2A; Calpainopathy; LEYDEN-MOEBIUS MUSCULAR DYSTROPHY; MUSCULAR DYSTROPHY, PELVOFEMORAL. Identifiers: Orphanet 267, MedGen C1869123, MONDO:0009675, OMIM 253600. Disease mechanism: loss of function.

Submission:

Myriad Genetics, Inc.
Classification: Pathogenic for Autosomal recessive limb-girdle muscular dystrophy type 2A. Last evaluated: 2025-09-04. Review status: criteria provided, single submitter. Criteria: Myriad Autosomal Dominant, Autosomal Recessive and X-Linked Classification Criteria (2023). Collection method: clinical testing. Allele origin: unknown.
Comment: NM_000070.2(CAPN3):c.1385_1386delTG(L462Qfs*8) is a frameshift variant classified as pathogenic in the context of calpainopathy. L462Qfs*8 has not been observed in cases with relevant disease. Relevant functional assessments of this variant are not available in the literature. L462Qfs*8 has not been observed in referenced population frequency databases. In summary, NM_000070.2(CAPN3):c.1385_1386delTG(L462Qfs*8) is a frameshift variant in a gene where loss of function is a known mechanism of disease and is predicted to disrupt protein function. Please note: this variant was assessed in the context of healthy population screening.

NM_000070.3(CAPN3):c.1385_1386del (p.Leu462fs)

Genes: CAPN3 (calpain 3; plus strand), LOC130056921 (ATAC-STARR-seq lymphoblastoid active region 9300; plus strand). Cytogenetic location: 15q15.1.
Variant type: Deletion.
Coding change: c.1385_1386del on transcript NM_000070.3 (MANE Select); coding-DNA positions 1385 to 1386, 2 bases deleted (TG; older notation c.1385_1386delTG).
Protein change: p.Leu462fs; shifts the reading frame from leucine 462.
Molecular consequence: frameshift variant.
Genome position (GRCh38, 1-based): chr15:42,401,671-42,401,672, TG deleted. VCF-style (leftmost placement, unchanged base first): chr15-42401670-CTG-C. GRCh37 (hg19) VCF-style: chr15-42693868-CTG-C.
Other names: c.1385_1386del, p.Leu462fs (NM_024344.2); c.1241_1242del, p.Leu414fs (NM_173087.2); short protein forms L414fs, L462fs.
Identifiers: ClinVar variation 5004150 (VCV005004150.1).
Genomic context (GRCh38, chr15:42,401,670, plus strand): 5'-GTGAATGCGTGCTTCCTTTCTGGGGGTGCAGATACTTTCTGGACCAACCCTCAGTACCGT[CTG>C]AAGCTCCTGGAGGAGGACGATGACCCTGATGACTCGGAGGTGATTTGCAGCTTCCTGGTG-3'